The following is an entry in ClinVar:

ClinVar aggregate classification (germline): Likely pathogenic (1 of 4 stars; one submission).

Conditions:
Duchenne muscular dystrophy (DMD). Also called: MUSCULAR DYSTROPHY, PSEUDOHYPERTROPHIC PROGRESSIVE, DUCHENNE TYPE; Duchenne Muscular Dystrophy (DMD). Identifiers: Orphanet 98896, MedGen C0013264, MONDO:0010679, OMIM 310200.

Submission:

Labcorp Genetics (formerly Invitae), Labcorp
Classification: Likely pathogenic for Duchenne muscular dystrophy. Last evaluated: 2016-06-25. Review status: criteria provided, single submitter. Criteria: Invitae Variant Classification Sherloc (09022015). Collection method: clinical testing. Allele origin: germline.
Comment: In summary, this is a rare intronic change that has been reported in patients and has been reported to impact mRNA splicing. However, without additional functional and/or genetic data, this variant has been classified as Likely Pathogenic. Experimental studies have shown that this variant creates a cryptic splice site that inserts 14 nucleotides into the intronic sequence leading to a frameshift and premature stop codon downstream (PMID: 10533061). This variant has been reported in the literature in individuals affected with muscular dystrophy (PMID: 10533061, 19937601). This variant has been reported in individuals in the DMD Leiden Open-source Variation Database (PMID: 16770791). This variant is not present in population databases (ExAC no frequency). This sequence change falls in intron 8 of the DMD mRNA. It does not directly change the encoded amino acid sequence of the DMD protein.

Literature cited by the submitters: PubMed 10533061; PubMed 19937601; PubMed 16770791.

NM_004006.3(DMD):c.832-15A>G

Gene: DMD (dystrophin; minus strand). Cytogenetic location: Xp21.1.
Variant type: single nucleotide variant.
Coding change: c.832-15A>G on transcript NM_004006.3 (MANE Select); 15 bases into the intron before coding-DNA position 832, A replaced by G.
Molecular consequence: intron variant.
Genome position (GRCh38, 1-based): chrX:32,698,013, T>C on the plus strand (A>G on the coding strand, the complement: DMD is on the minus strand). VCF-style: chrX-32698013-T-C. GRCh37 (hg19) VCF-style: chrX-32716130-T-C.
Other names: c.808-15A>G (NM_000109.4); c.820-15A>G (NM_004009.3); c.463-15A>G (NM_004010.3).
Identifiers: ClinVar variation 409886 (VCV000409886.8), dbSNP rs72470513, ClinGen allele CA16616530.